The following is an entry in ClinVar:

NM_000532.5(PCCB):c.872G>A (p.Cys291Tyr)

Gene: PCCB (propionyl-CoA carboxylase subunit beta; plus strand). Cytogenetic location: 3q22.3.
Variant type: single nucleotide variant.
Coding change: c.872G>A on transcript NM_000532.5 (MANE Select); coding-DNA position 872, G replaced by A.
Protein change: p.Cys291Tyr; replaces cysteine 291 with tyrosine.
Molecular consequence: missense variant.
Genome position (GRCh38, 1-based): chr3:136,298,060, G>A. VCF-style: chr3-136298060-G-A. GRCh37 (hg19) VCF-style: chr3-136016902-G-A.
Other names: p.Cys291Tyr; c.932G>A, p.Cys311Tyr (NM_001178014.2); short protein forms C291Y, C311Y.
Identifiers: ClinVar variation 380595 (VCV000380595.28), dbSNP rs77820367, ClinGen allele CA2631898.
Genomic context (GRCh38, chr3:136,298,060, plus strand): 5'-TCCGGGATTTCTTCAACTACCTGCCCCTGAGCAGTCAGGACCCGGCTCCCGTCCGTGAGT[G>A]CCACGATCCCAGGTGGGTTGTAGGCCGGTGCACCTTCTCTCATTTTGCAGTGTAGCTTGC-3'
Protein context (NP_000523.2, residues 281-301): SSQDPAPVRE[Cys291Tyr]HDPSDRLVPE

ClinVar aggregate classification (germline): Conflicting classifications of pathogenicity. Review status: criteria provided, conflicting classifications (1 of 4 stars). 8 submissions from 8 submitters: Uncertain significance (6); Likely benign (2). Last evaluated 2026-08-21.

Conditions:
PCCB-related disorder. Also called: PCCB-related condition.
Propionic acidemia (PROP). Also called: HYPERGLYCINEMIA WITH KETOACIDOSIS AND LEUKOPENIA; KETOTIC HYPERGLYCINEMIA; GLYCINEMIA, KETOTIC. Identifiers: Orphanet 35, MedGen C0268579, MONDO:0011628, OMIM 606054, HP:0003571.

Allele frequency attached by ClinVar (database versions not stated): ExAC 0.00118; gnomAD exomes 0.00133 and 0.00184; gnomAD 0.00139 and 0.00146; ESP Exome Variant Server 0.00246; 1000 Genomes Project 0.00060; 1000 Genomes Project 30x 0.00094; TOPMed 0.00106.
gnomAD v4.1: 2,893 of 1,614,132 alleles (0.18%); highest among the groups gnomAD compares: Non-Finnish European, 0.2%; 5 homozygotes.

Submissions (8):

GeneDx
Classification: Uncertain significance. Last evaluated: 2026-08-21. Review status: criteria provided, single submitter. Criteria: GeneDx Variant Classification Process June 2021. Collection method: clinical testing. Allele origin: germline.
Comment: Has previously been reported in a patient with propionic acidemia who was heterozygous for C291Y and in whom a second variant in PCCB was not identified; however this patient was also homozygous for a pathogenic variant in the PCCA gene (PMID: 22033733); Expression studies of C291Y in E. coli reported that it is associated with significantly reduced enzyme activity; however, no wild-type controls were used for comparison (PMID: 22033733); In silico analysis supports that this missense variant has a deleterious effect on protein structure/function; In silico analysis suggests this variant may impact gene splicing. In the absence of RNA/functional studies, the actual effect of this sequence change is unknown.; This variant is associated with the following publications: (PMID: 25087612, 34426522, 34670123, 22033733, 24448499, 26740555, 27460824, 28050010, 29618726, 28719003, 36099812, 35132093)

Labcorp Genetics (formerly Invitae), Labcorp
Classification: Likely benign for Propionic acidemia. Last evaluated: 2026-02-02. Review status: criteria provided, single submitter. Criteria: Invitae Variant Classification Sherloc (09022015). Collection method: clinical testing. Allele origin: germline.

PreventionGenetics, part of Exact Sciences
Classification: Uncertain significance for PCCB-related condition. Last evaluated: 2025-03-14. Review status: criteria provided, single submitter. Criteria: ACMG Guidelines, 2015. Collection method: clinical testing. Allele origin: germline.
Comment: The PCCB c.872G>A variant is predicted to result in the amino acid substitution p.Cys291Tyr. This variant has been reported in an individual with propionic acidemia; however, this individual was also homozygous for a disease-causing variant in the PCCA gene (Kraus et al. 2012. PubMed ID: 22033733). An E. coli-based in vitro assay suggested that the p.Cys291Tyr variant greatly reduced enzymatic activity (~1.5%) relative to wild type (Kraus et al. 2012. PubMed ID: 22033733). However, this variant is reported in 0.53% of alleles in individuals of European (Finnish) descent in gnomAD, which may be too frequent to be a primary cause of disease. Although we suspect that this variant may be benign, at this time, the clinical significance of this variant is uncertain due to the absence of conclusive functional and genetic evidence.

Revvity Omics, Revvity
Classification: Uncertain significance for Propionic acidemia. Last evaluated: 2025-02-07. Review status: criteria provided, single submitter. Criteria: ACMG Guidelines, 2015. Collection method: clinical testing. Allele origin: germline.

Blueprint Genetics
Classification: Likely benign. Last evaluated: 2024-11-21. Review status: criteria provided, single submitter. Criteria: ACMG Guidelines, 2015. Collection method: clinical testing. Allele origin: germline.

Women's Health and Genetics/Laboratory Corporation of America, LabCorp
Classification: Uncertain significance. Last evaluated: 2023-12-14. Review status: criteria provided, single submitter. Criteria: LabCorp Variant Classification Summary - May 2015. Collection method: clinical testing. Allele origin: germline.
Comment: Variant summary: PCCB c.872G>A (p.Cys291Tyr) results in a non-conservative amino acid change located in the Acetyl-coenzyme A carboxylase carboxyl transferase subunit beta (IPR034733) of the encoded protein sequence. Four of five in-silico tools predict a damaging effect of the variant on protein function. The variant allele was found at a frequency of 0.0018 in 1614132 control chromosomes in the gnomAD database, including 5 homozygotes (gnomAD v4). This frequency is not significantly higher than estimated for a pathogenic variant in PCCB causing Propionic Acidemia (0.0018 vs 0.0025), allowing no conclusion about variant significance. c.872G>A has been reported at a heterozygous state in one individual affected with Propionic Acidemia, whose phenotypes may be fully explained by a co-occurring homozygous pathogenic variant in PCCA (c.1899+4_1899+7del) (Kraus_2012). This variant was also reported in unspecified individuals with idiopathic spontaneous pregnancy losses or individuals undertaking multiple-gene panel testing for CHD, TGA, heterotaxy, without strong evidence for causality (Blue_2022, Buonaiuto_2022). These report(s) do not provide unequivocal conclusions about association of the variant with Propionic Acidemia. At least one publication reports experimental evidence evaluating an impact on protein function. The most pronounced variant effect results in 1.5% of normal activity in E. coli (Kraus_2012). The following publications have been ascertained in the context of this evaluation (PMID: 34670123, 35132093, 22033733). Four submitters have cited clinical-significance assessments for this variant to ClinVar after 2014. Multiple submitters reported the variant with conflicting assessments (Likely pathogenic, n=1, likely benign, n=1, VUS, n=2). Based on the evidence outlined above, the variant was classified as uncertain significance.

Mayo Clinic Laboratories, Mayo Clinic
Classification: Uncertain significance. Last evaluated: 2023-02-24. Review status: criteria provided, single submitter. Criteria: ACMG Guidelines, 2015. Collection method: clinical testing. Allele origin: germline. Observed: 2 variant alleles.
Comment: BP5, PS3_supporting

Illumina Laboratory Services, Illumina
Classification: Uncertain significance for Propionic acidemia. Last evaluated: 2017-04-27. Review status: criteria provided, single submitter. Criteria: ICSL Variant Classification Criteria 13 December 2019. Collection method: clinical testing. Allele origin: germline.
Comment: This variant was observed as part of a predisposition screen in an ostensibly healthy population. A literature search was performed for the gene, cDNA change, and amino acid change (where applicable). Publications were found based on this search. However, the evidence from the literature, in combination with allele frequency data from public databases where available, was not sufficient to rule this variant in or out of causing disease. Therefore, this variant is classified as a variant of unknown significance.

Literature cited by the submitters: PubMed 22033733 (cited by 3 submitters); PubMed 34670123 (cited by Women's Health and Genetics/Laboratory Corporation of America, LabCorp and Mayo Clinic Laboratories, Mayo Clinic); PubMed 35132093 (cited by Women's Health and Genetics/Laboratory Corporation of America, LabCorp).